The following is an entry in ClinVar:

ClinVar aggregate classification (germline): Uncertain significance (1 of 4 stars; one submission).

Conditions:
Hereditary cancer-predisposing syndrome. Also called: Hereditary Cancer Syndrome; Neoplastic Syndromes, Hereditary; Tumor predisposition; Hereditary neoplastic syndrome. Identifiers: Orphanet 140162, MedGen C0027672, MeSH D009386, MONDO:0015356.
Cardiovascular phenotype. Identifiers: MedGen CN230736.

Submission:

Ambry Genetics
Classification: Uncertain significance for Cardiovascular phenotype; Hereditary cancer-predisposing syndrome. Last evaluated: 2016-05-20. Review status: criteria provided, single submitter. Criteria: Ambry Variant Classification Scheme 2023. Collection method: clinical testing. Allele origin: germline.
Comment: The p.T1787K variant (also known as c.5360C>A), located in coding exon 37 of the NF1 gene, results from a C to A substitution at nucleotide position 5360. The threonine at codon 1787 is replaced by lysine, an amino acid with similar properties. This variant was not reported in population based cohorts in the following databases: Database of Single Nucleotide Polymorphisms (dbSNP), NHLBI Exome Sequencing Project (ESP), and 1000 Genomes Project. In the ESP, this variant was not observed in 6503 samples (13006 alleles) with coverage at this position. To date, this alteration has been detected with an allele frequency of approximately 0.001% (greater than 175000 alleles tested) in our clinical cohort. This amino acid position is highly conserved in available vertebrate species. In addition, this alteration is predicted to be deleterious by in silico analysis. Since supporting evidence is limited at this time, the clinical significance of this alteration remains unclear.

NM_001042492.3(NF1):c.5423C>A (p.Thr1808Lys)

Gene: NF1 (neurofibromin 1; plus strand). Cytogenetic location: 17q11.2.
Variant type: single nucleotide variant.
Coding change: c.5423C>A on transcript NM_001042492.3 (MANE Select); coding-DNA position 5423, C replaced by A.
Protein change: p.Thr1808Lys; replaces threonine 1808 with lysine.
Molecular consequence: missense variant.
Genome position (GRCh38, 1-based): chr17:31,327,653, C>A. VCF-style: chr17-31327653-C-A. GRCh37 (hg19) VCF-style: chr17-29654671-C-A.
Other names: c.5360C>A, p.Thr1787Lys (NM_000267.4); short protein forms T1808K, T1787K.
Identifiers: ClinVar variation 480126 (VCV000480126.5), dbSNP rs760649828, ClinGen allele CA399009408.